The following is an entry in ClinVar:

ClinVar aggregate classification (germline): Conflicting classifications of pathogenicity. Review status: criteria provided, conflicting classifications (1 of 4 stars). 4 submissions from 4 submitters: Uncertain significance (2); Benign (1); Likely benign (1). Last evaluated 2025-07-23.

Conditions:
Hereditary cancer-predisposing syndrome. Also called: Tumor predisposition; Hereditary Cancer Syndrome; Neoplastic Syndromes, Hereditary; Hereditary neoplastic syndrome. Identifiers: Orphanet 140162, MedGen C0027672, MeSH D009386, MONDO:0015356.
Tuberous sclerosis 2 (TSC2). Identifiers: Orphanet 805, MedGen C1860707, MONDO:0013199, OMIM 613254.

Allele frequency attached by ClinVar (database versions not stated): ExAC 0.00001; gnomAD exomes 0.00001.
gnomAD v4.1: 5 of 1,611,554 alleles (0.00031%); highest among the groups gnomAD compares: South Asian, 0.0055%; no homozygotes.

Submissions (4):

Labcorp Genetics (formerly Invitae), Labcorp
Classification: Benign for Tuberous sclerosis 2. Last evaluated: 2025-07-23. Review status: criteria provided, single submitter. Criteria: Invitae Variant Classification Sherloc (09022015). Collection method: clinical testing. Allele origin: germline.

Ambry Genetics
Classification: Uncertain significance for Hereditary cancer-predisposing syndrome. Last evaluated: 2025-04-28. Review status: criteria provided, single submitter. Criteria: Ambry Variant Classification Scheme 2023. Collection method: clinical testing. Allele origin: germline.
Comment: The p.G1325D variant (also known as c.3974G>A), located in coding exon 32 of the TSC2 gene, results from a G to A substitution at nucleotide position 3974. The glycine at codon 1325 is replaced by aspartic acid, an amino acid with similar properties. This amino acid position is not well conserved in available vertebrate species. In addition, the in silico prediction for this alteration is inconclusive. Based on the available evidence, the clinical significance of this variant remains unclear.

Myriad Genetics, Inc.
Classification: Likely benign for Tuberous sclerosis 2. Last evaluated: 2024-08-20. Review status: criteria provided, single submitter. Criteria: Myriad Autosomal Dominant, Autosomal Recessive and X-Linked Classification Criteria (2023). Collection method: clinical testing. Allele origin: unknown.
Comment: This variant is considered likely benign. This variant has been observed at a population frequency that is significantly greater than expected given the associated disease prevalence and penetrance.

Athena Diagnostics
Classification: Uncertain significance. Last evaluated: 2017-02-10. Review status: criteria provided, single submitter. Criteria: Athena Diagnostics Criteria. Collection method: clinical testing. Allele origin: germline.

Literature cited by the submitters: PubMed 22558107 (cited by Athena Diagnostics).

NM_000548.5(TSC2):c.3974G>A (p.Gly1325Asp)

Gene: TSC2 (TSC complex subunit 2; plus strand). Cytogenetic location: 16p13.3.
Variant type: single nucleotide variant.
Coding change: c.3974G>A on transcript NM_000548.5 (MANE Select); coding-DNA position 3974, G replaced by A.
Protein change: p.Gly1325Asp; replaces glycine 1325 with aspartic acid.
Molecular consequence: missense variant.
Genome position (GRCh38, 1-based): chr16:2,083,785, G>A. VCF-style: chr16-2083785-G-A. GRCh37 (hg19) VCF-style: chr16-2133786-G-A.
Other names: c.3773G>A, p.Gly1258Asp (NM_001077183.3); c.3905G>A, p.Gly1302Asp (NM_001114382.3); c.3665G>A, p.Gly1222Asp (NM_001318827.2); c.3629G>A, p.Gly1210Asp (NM_001318829.2); c.3242G>A, p.Gly1081Asp (NM_001318831.2); c.3806G>A, p.Gly1269Asp (NM_001318832.2); c.3776G>A, p.Gly1259Asp (NM_001363528.2); c.3842G>A, p.Gly1281Asp (NM_001370404.1); and 1 more; short protein forms G1325D, G1259D, G1269D, G1081D, G1210D, G1281D, G1302D, G1222D.
Identifiers: ClinVar variation 448730 (VCV000448730.10), dbSNP rs754680848, ClinGen allele CA049827.